The following is an entry in ClinVar:

NM_005628.3(SLC1A5):c.360C>T (p.Asp120=)

Gene: SLC1A5 (solute carrier family 1 member 5; minus strand). Cytogenetic location: 19q13.32.
Variant type: single nucleotide variant.
Coding change: c.360C>T on transcript NM_005628.3 (MANE Select); coding-DNA position 360, C replaced by T.
Protein change: p.Asp120=; no amino-acid change (aspartic acid 120 retained).
Molecular consequence: synonymous variant.
Genome position (GRCh38, 1-based): chr19:46,787,606, G>A on the plus strand (C>T on the coding strand, the complement: SLC1A5 is on the minus strand). VCF-style: chr19-46787606-G-A. GRCh37 (hg19) VCF-style: chr19-47290863-G-A.
Identifiers: ClinVar variation 3034854 (VCV003034854.2), dbSNP rs1415755088, ClinGen allele CA507976744.

ClinVar aggregate classification (germline): Likely benign (0 of 4 stars; one submission).

Conditions:
SLC1A5-related disorder. Also called: SLC1A5-related condition.

gnomAD v4.1: 5 of 1,562,616 alleles (0.00032%); highest among the groups gnomAD compares: Admixed American, 0.0038%; no homozygotes.

Submission:

PreventionGenetics, part of Exact Sciences
Classification: Likely benign for SLC1A5-related condition. Last evaluated: 2019-07-31. Review status: no assertion criteria provided. Collection method: clinical testing. Allele origin: germline.
Comment: This variant is classified as likely benign based on ACMG/AMP sequence variant interpretation guidelines (Richards et al. 2015 PMID: 25741868, with internal and published modifications).